The following is an entry in ClinVar:

NC_000009.12:g.35658031T>A

Gene: RMRP (RNA component of mitochondrial RNA processing endoribonuclease; minus strand). Cytogenetic location: 9p13.3.
Variant type: single nucleotide variant.
Genome position: GRCh38 VCF-style: chr9-35658031-T-A. GRCh37 (hg19) VCF-style: chr9-35658028-T-A.
Identifiers: ClinVar variation 3719215 (VCV003719215.3).

ClinVar aggregate classification (germline): Uncertain significance. Review status: criteria provided, multiple submitters, no conflicts (2 of 4 stars). 2 submissions from 2 submitters: Uncertain significance (2). Last evaluated 2025-09-05.

Conditions:
RMRP-related disorder. Also called: RMRP-related condition.
Anauxetic dysplasia. Identifiers: Orphanet 93347, MedGen C1846796, MONDO:0011773.

Submissions (2):

PreventionGenetics, part of Exact Sciences
Classification: Uncertain significance for RMRP-related condition. Last evaluated: 2025-09-05. Review status: criteria provided, single submitter. Criteria: ACMG Guidelines, 2015. Collection method: clinical testing. Allele origin: germline.
Comment: The RMRP n.-13A>T variant is predicted to interfere with splicing. To our knowledge, this variant has not been reported in the literature. This variant is reported in 0.0043% of alleles in individuals of European (Non-Finnish) descent in gnomAD. However, the use of computer prediction programs is not equivalent to functional evidence, and therefore the clinical significance of this variant is uncertain.

Labcorp Genetics (formerly Invitae), Labcorp
Classification: Uncertain significance for Anauxetic dysplasia. Last evaluated: 2025-08-14. Review status: criteria provided, single submitter. Criteria: Invitae Variant Classification Sherloc (09022015). Collection method: clinical testing. Allele origin: germline.
Comment: This variant occurs in the RMRP gene, which encodes an RNA molecule that does not result in a protein product. This variant is present in population databases (no rsID available, gnomAD 0.005%). This variant has not been reported in the literature in individuals affected with RMRP-related conditions. Experimental studies and prediction algorithms are not available or were not evaluated, and the functional significance of this variant is currently unknown. In summary, the available evidence is currently insufficient to determine the role of this variant in disease. Therefore, it has been classified as a Variant of Uncertain Significance.